The following is an entry in ClinVar:

NM_203446.3(SYNJ1):c.2882A>C (p.Asn961Thr)

Gene: SYNJ1 (synaptojanin 1; minus strand). Cytogenetic location: 21q22.11.
Variant type: single nucleotide variant.
Coding change: c.2882A>C on transcript NM_203446.3 (MANE Select); coding-DNA position 2882, A replaced by C.
Protein change: p.Asn961Thr; replaces asparagine 961 with threonine.
Molecular consequence: missense variant.
Genome position (GRCh38, 1-based): chr21:32,650,339, T>G on the plus strand (A>C on the coding strand, the complement: SYNJ1 is on the minus strand). VCF-style: chr21-32650339-T-G. GRCh37 (hg19) VCF-style: chr21-34022649-T-G.
Other names: c.2882A>C, p.Asn961Thr (NM_001160302.2); c.2867A>C, p.Asn956Thr (NM_001160306.2); c.2999A>C, p.Asn1000Thr (NM_003895.4); short protein forms N1000T, N956T, N961T.
Identifiers: ClinVar variation 3897306 (VCV003897306.2).

ClinVar aggregate classification (germline): Uncertain significance. Review status: criteria provided, multiple submitters, no conflicts (2 of 4 stars). 2 submissions from 2 submitters: Uncertain significance (2). Last evaluated 2025-04-13.

Conditions:
Inborn genetic diseases. Identifiers: MedGen C0950123, MeSH D030342.

Submissions (2):

Ambry Genetics
Classification: Uncertain significance for Inborn genetic diseases. Last evaluated: 2025-04-13. Review status: criteria provided, single submitter. Criteria: Ambry Variant Classification Scheme 2023. Collection method: clinical testing. Allele origin: germline.

GeneDx
Classification: Uncertain significance. Last evaluated: 2024-10-31. Review status: criteria provided, single submitter. Criteria: GeneDx Variant Classification Process June 2021. Collection method: clinical testing. Allele origin: germline. Affected: yes.
Comment: Not observed at significant frequency in large population cohorts (gnomAD); In silico analysis indicates that this missense variant does not alter protein structure/function; Has not been previously published as pathogenic or benign to our knowledge